The following is an entry in ClinVar:

NM_005632.3(CAPN15):c.627C>T (p.Ala209=)

Gene: CAPN15 (calpain 15; plus strand). Cytogenetic location: 16p13.3.
Variant type: single nucleotide variant.
Coding change: c.627C>T on transcript NM_005632.3 (MANE Select); coding-DNA position 627, C replaced by T.
Protein change: p.Ala209=; no amino-acid change (alanine 209 retained).
Molecular consequence: synonymous variant.
Genome position (GRCh38, 1-based): chr16:547,465, C>T. VCF-style: chr16-547465-C-T. GRCh37 (hg19) VCF-style: chr16-597465-C-T.
Identifiers: ClinVar variation 5038934 (VCV005038934.1).
Genomic context (GRCh38, chr16:547,465, plus strand): 5'-CCCGGCCGGCTTCCACGTCGTGCCTGCCGCGCCTCCACCTGGCCTCCCCGGGGAAGGTGC[C>T]GAGGCCAACCCCCCAGCCACCAGCCAGGGCCCAGCTGCCGAACCAGAGCCGCCCAGGGTC-3'
Protein context (NP_005623.1, residues 199-219): APPPGLPGEG[Ala209=]EANPPATSQG

ClinVar aggregate classification (germline): Likely benign (1 of 4 stars; one submission).

gnomAD v4.1: 492 of 1,594,038 alleles (0.031%); highest among the groups gnomAD compares: African/African-American, 0.52%; 1 homozygote.

Submission:

CeGaT Center for Human Genetics Tuebingen
Classification: Likely benign. Last evaluated: 2026-08-01. Review status: criteria provided, single submitter. Criteria: CeGaT Center For Human Genetics Tuebingen Variant Classification Criteria Version 2. Collection method: clinical testing. Allele origin: germline. Affected: yes. Observed: 1 variant allele.
Comment: CAPN15: BP4, BP7